The following is an entry in ClinVar:

ClinVar aggregate classification (germline): Uncertain significance (1 of 4 stars; one submission).

Conditions:
Inborn genetic diseases. Identifiers: MedGen C0950123, MeSH D030342.

gnomAD v4.1: 1 of 1,612,206 alleles (0.000062%); highest among the groups gnomAD compares: African/African-American, 0.0013%; no homozygotes.

Submission:

Ambry Genetics
Classification: Uncertain significance for Inborn genetic diseases. Last evaluated: 2025-05-28. Review status: criteria provided, single submitter. Criteria: Ambry Variant Classification Scheme 2023. Collection method: clinical testing. Allele origin: germline.
Comment: The p.G1056D variant (also known as c.3167G>A), located in coding exon 31 of the RTEL1 gene, results from a G to A substitution at nucleotide position 3167. The glycine at codon 1056 is replaced by aspartic acid, an amino acid with similar properties. This amino acid position is conserved. In addition, this alteration is predicted to be tolerated by in silico analysis. Based on the available evidence, the clinical significance of this variant remains unclear.

NM_001283009.2(RTEL1):c.3167G>A (p.Gly1056Asp)

Genes: RTEL1 (regulator of telomere elongation helicase 1; plus strand), RTEL1-TNFRSF6B (RTEL1-TNFRSF6B readthrough (NMD candidate); plus strand). Cytogenetic location: 20q13.33.
Variant type: single nucleotide variant.
Coding change: c.3167G>A on transcript NM_001283009.2 (MANE Select); coding-DNA position 3167, G replaced by A.
Protein change: p.Gly1056Asp; replaces glycine 1056 with aspartic acid.
Molecular consequence: missense variant. On other transcripts: non-coding transcript variant (1).
Genome position (GRCh38, 1-based): chr20:63,694,798, G>A. VCF-style: chr20-63694798-G-A. GRCh37 (hg19) VCF-style: chr20-62326151-G-A.
Other names: c.2498G>A, p.Gly833Asp (NM_001283010.1); c.3167G>A, p.Gly1056Asp (NM_016434.4); c.3239G>A, p.Gly1080Asp (NM_032957.5); short protein forms G1080D, G1056D, G833D.
Identifiers: ClinVar variation 3948431 (VCV003948431.1).